The following is an entry in ClinVar:

ClinVar aggregate classification (germline): Uncertain significance. Review status: criteria provided, multiple submitters, no conflicts (2 of 4 stars). 2 submissions from 2 submitters: Uncertain significance (2). Last evaluated 2025-03-10.

Conditions:
Familial thoracic aortic aneurysm and aortic dissection (TAAD). Also called: Thoracic aortic aneurysms and dissections. Identifiers: Orphanet 91387, MedGen C4707243, MONDO:0019625.

Allele frequency attached by ClinVar (database versions not stated): gnomAD exomes below 0.00001; TOPMed below 0.00001; gnomAD 0.00001.
gnomAD v4.1: 3 of 1,614,054 alleles (0.00019%); highest among the groups gnomAD compares: Non-Finnish European, 0.00025%; no homozygotes.

Submissions (2):

GeneDx
Classification: Uncertain significance. Last evaluated: 2025-03-10. Review status: criteria provided, single submitter. Criteria: GeneDx Variant Classification Process June 2021. Collection method: clinical testing. Allele origin: germline. Affected: yes.
Comment: Not observed at significant frequency in large population cohorts (gnomAD); In silico analysis supports that this missense variant has a deleterious effect on protein structure/function; Has not been previously published as pathogenic or benign to our knowledge; Does not affect a cysteine or calcium-binding residue within an EGF-like domain or a TGF-binding protein domain of the FBN1 gene; cysteine substitutions in the EGF-like domains represent the majority of pathogenic missense changes associated with FBN1-related disorders (PMID: 12938084); This variant is associated with the following publications: (PMID: 12938084)

Color Diagnostics, LLC DBA Color Health
Classification: Uncertain significance for Familial thoracic aortic aneurysm and aortic dissection. Last evaluated: 2024-03-07. Review status: criteria provided, single submitter. Criteria: ACMG Guidelines, 2015. Collection method: clinical testing. Allele origin: germline.
Comment: This missense variant replaces phenylalanine with serine at codon 1435 of the FBN1 protein. Computational prediction suggests that this variant may have deleterious impact on protein structure and function (internally defined REVEL score threshold >= 0.7, PMID: 27666373). To our knowledge, functional studies have not been reported for this variant. This variant has not been reported in individuals affected with cardiovascular disorders in the literature. This variant has not been identified in the general population by the Genome Aggregation Database (gnomAD). The available evidence is insufficient to determine the role of this variant in disease conclusively. Therefore, this variant is classified as a Variant of Uncertain Significance.

NM_000138.5(FBN1):c.4304T>C (p.Phe1435Ser)

Genes: FBN1 (fibrillin 1; minus strand), LOC126862124 (CDK7 strongly-dependent group 2 enhancer GRCh37_chr15:48764566-48765765; plus strand). Cytogenetic location: 15q21.1.
Variant type: single nucleotide variant.
Coding change: c.4304T>C on transcript NM_000138.5 (MANE Select); coding-DNA position 4304, T replaced by C.
Protein change: p.Phe1435Ser; replaces phenylalanine 1435 with serine.
Molecular consequence: missense variant.
Genome position (GRCh38, 1-based): chr15:48,472,583, A>G on the plus strand (T>C on the coding strand, the complement: FBN1 is on the minus strand). VCF-style: chr15-48472583-A-G. GRCh37 (hg19) VCF-style: chr15-48764780-A-G.
Other names: short protein forms F1435S.
Identifiers: ClinVar variation 1171711 (VCV001171711.4), dbSNP rs1417057509, ClinGen allele CA392317623.